The following is an entry in ClinVar:

ClinVar aggregate classification (germline): Uncertain significance (1 of 4 stars; one submission).

Conditions:
Hereditary cancer-predisposing syndrome. Also called: Neoplastic Syndromes, Hereditary; Tumor predisposition; Hereditary Cancer Syndrome; Hereditary neoplastic syndrome. Identifiers: Orphanet 140162, MedGen C0027672, MeSH D009386, MONDO:0015356.

gnomAD v4.1: 1 of 1,605,438 alleles (0.000062%); highest among the groups gnomAD compares: Non-Finnish European, 0.000085%; no homozygotes.

Submission:

Ambry Genetics
Classification: Uncertain significance for Hereditary cancer-predisposing syndrome. Last evaluated: 2024-07-26. Review status: criteria provided, single submitter. Criteria: Ambry Variant Classification Scheme 2023. Collection method: clinical testing. Allele origin: germline.
Comment: The p.G180C variant (also known as c.538G>T), located in coding exon 3 of the NTHL1 gene, results from a G to T substitution at nucleotide position 538. The glycine at codon 180 is replaced by cysteine, an amino acid with highly dissimilar properties. This amino acid position is conserved. In addition, this alteration is predicted to be deleterious by in silico analysis. Based on the available evidence, the clinical significance of this variant remains unclear.

NM_002528.7(NTHL1):c.514G>T (p.Gly172Cys)

Gene: NTHL1 (nth like DNA glycosylase 1; minus strand). Cytogenetic location: 16p13.3.
Variant type: single nucleotide variant.
Coding change: c.514G>T on transcript NM_002528.7 (MANE Select); coding-DNA position 514, G replaced by T.
Protein change: p.Gly172Cys; replaces glycine 172 with cysteine.
Molecular consequence: missense variant. On other transcripts: intron variant (1).
Genome position (GRCh38, 1-based): chr16:2,044,641, C>A on the plus strand (G>T on the coding strand, the complement: NTHL1 is on the minus strand). VCF-style: chr16-2044641-C-A. GRCh37 (hg19) VCF-style: chr16-2094642-C-A.
Other names: c.184G>T, p.Gly62Cys (NM_001318194.2); c.355-915G>T (NM_001318193.2); short protein forms G172C, G62C.
Identifiers: ClinVar variation 3408207 (VCV003408207.1).